The following is an entry in ClinVar:

ClinVar aggregate classification (germline): Uncertain significance. Review status: criteria provided, multiple submitters, no conflicts (2 of 4 stars). 2 submissions from 2 submitters: Uncertain significance (2). Last evaluated 2024-06-30.

Conditions:
Inborn genetic diseases. Identifiers: MedGen C0950123, MeSH D030342.
COG5-congenital disorder of glycosylation. Also called: CDG IIi; CONGENITAL DISORDER OF GLYCOSYLATION, TYPE IIi; COG5-CDG. Identifiers: Orphanet 263487, MedGen C3150876, MONDO:0013325, OMIM 613612.

Allele frequency attached by ClinVar (database versions not stated): gnomAD 0.00002; ExAC 0.00007; gnomAD exomes 0.00007.
gnomAD v4.1: 97 of 1,613,462 alleles (0.006%); highest among the groups gnomAD compares: East Asian, 0.21%; no homozygotes.

Submissions (2):

Ambry Genetics
Classification: Uncertain significance for Inborn genetic diseases. Last evaluated: 2024-06-30. Review status: criteria provided, single submitter. Criteria: Ambry Variant Classification Scheme 2023. Collection method: clinical testing. Allele origin: germline.

Labcorp Genetics (formerly Invitae), Labcorp
Classification: Uncertain significance for COG5-congenital disorder of glycosylation. Last evaluated: 2022-04-29. Review status: criteria provided, single submitter. Criteria: Invitae Variant Classification Sherloc (09022015). Collection method: clinical testing. Allele origin: germline.
Comment: This sequence change replaces alanine, which is neutral and non-polar, with threonine, which is neutral and polar, at codon 440 of the COG5 protein (p.Ala440Thr). This variant is present in population databases (rs760870083, gnomAD 0.1%). This variant has not been reported in the literature in individuals affected with COG5-related conditions. Algorithms developed to predict the effect of missense changes on protein structure and function output the following: SIFT: "Tolerated"; PolyPhen-2: "Benign"; Align-GVGD: "Class C0". The threonine amino acid residue is found in multiple mammalian species, which suggests that this missense change does not adversely affect protein function. In summary, the available evidence is currently insufficient to determine the role of this variant in disease. Therefore, it has been classified as a Variant of Uncertain Significance.

NM_006348.5(COG5):c.1225G>A (p.Ala409Thr)

Gene: COG5 (component of oligomeric golgi complex 5; minus strand). Cytogenetic location: 7q22.3.
Variant type: single nucleotide variant.
Coding change: c.1225G>A on transcript NM_006348.5 (MANE Select); coding-DNA position 1225, G replaced by A.
Protein change: p.Ala409Thr; replaces alanine 409 with threonine.
Molecular consequence: missense variant.
Genome position (GRCh38, 1-based): chr7:107,298,230, C>T on the plus strand (G>A on the coding strand, the complement: COG5 is on the minus strand). VCF-style: chr7-107298230-C-T. GRCh37 (hg19) VCF-style: chr7-106938675-C-T.
Other names: c.1318G>A (NM_006348.3); c.1225G>A, p.Ala409Thr (NM_001161520.2, NM_001379511.1, NM_001379512.1 and 3 more transcripts); c.655G>A, p.Ala219Thr (NM_001379515.1); c.511G>A, p.Ala171Thr (NM_001379516.1); short protein forms A171T, A219T, A409T.
Identifiers: ClinVar variation 2154254 (VCV002154254.2), dbSNP rs760870083, ClinGen allele CA4430976.
Genomic context (GRCh38, chr7:107,298,230, plus strand): 5'-TATCTTGTGCATCATCTTCCATGTGTTGTAGGTCAACATAGAGGTCTGTAGTTCCACTTG[C>T]ATTAAAATTCCCTTGGATATGCTGACTGTATTGTTGAAGACGCTTCCATAAGTCATTATA-3'
Protein context (NP_006339.4, residues 399-419): YSQHIQGNFN[Ala409Thr]SGTTDLYVDL